The following is an entry in ClinVar:

NM_001005361.3(DNM2):c.345C>G (p.Ile115Met)

Gene: DNM2 (dynamin 2; plus strand). Cytogenetic location: 19p13.2.
Variant type: single nucleotide variant.
Coding change: c.345C>G on transcript NM_001005361.3 (MANE Select); coding-DNA position 345, C replaced by G.
Protein change: p.Ile115Met; replaces isoleucine 115 with methionine.
Molecular consequence: missense variant.
Genome position (GRCh38, 1-based): chr19:10,772,588, C>G. VCF-style: chr19-10772588-C-G. GRCh37 (hg19) VCF-style: chr19-10883264-C-G.
Other names: c.345C>G, p.Ile115Met (NM_001005360.3, NM_001005362.3, NM_001190716.2 and 1 more transcripts); short protein forms I115M.
Identifiers: ClinVar variation 579555 (VCV000579555.9), dbSNP rs753176358, ClinGen allele CA404041892.

ClinVar aggregate classification (germline): Uncertain significance. Review status: criteria provided, multiple submitters, no conflicts (2 of 4 stars). 2 submissions from 2 submitters: Uncertain significance (2). Last evaluated 2026-01-05.

Conditions:
Charcot-Marie-Tooth disease dominant intermediate B (CMTDIB). Also called: CHARCOT-MARIE-TOOTH NEUROPATHY, DOMINANT INTERMEDIATE B; Charcot-Marie-Tooth disease dominant intermediate 1; CMT DI1; Charcot-Marie-Tooth disease dominant intermediate I. Identifiers: Orphanet 100044, Orphanet 228179, MedGen C1847902, MONDO:0011674, OMIM 606482.
Inborn genetic diseases. Identifiers: MedGen C0950123, MeSH D030342.

Allele frequency attached by ClinVar (database versions not stated): TOPMed below 0.00001.
gnomAD v4.1: 2 of 1,614,220 alleles (0.00012%); highest among the groups gnomAD compares: Admixed American, 0.0033%; no homozygotes.

Submissions (2):

Ambry Genetics
Classification: Uncertain significance for Inborn genetic diseases. Last evaluated: 2026-01-05. Review status: criteria provided, single submitter. Criteria: Ambry Variant Classification Scheme 2023. Collection method: clinical testing. Allele origin: germline.

Labcorp Genetics (formerly Invitae), Labcorp
Classification: Uncertain significance for Charcot-Marie-Tooth disease dominant intermediate B. Last evaluated: 2025-02-06. Review status: criteria provided, single submitter. Criteria: Invitae Variant Classification Sherloc (09022015). Collection method: clinical testing. Allele origin: germline.
Comment: This sequence change replaces isoleucine, which is neutral and non-polar, with methionine, which is neutral and non-polar, at codon 115 of the DNM2 protein (p.Ile115Met). This variant is not present in population databases (gnomAD no frequency). This variant has not been reported in the literature in individuals affected with DNM2-related conditions. ClinVar contains an entry for this variant (Variation ID: 579555). Invitae Evidence Modeling of protein sequence and biophysical properties (such as structural, functional, and spatial information, amino acid conservation, physicochemical variation, residue mobility, and thermodynamic stability) indicates that this missense variant is expected to disrupt DNM2 protein function with a positive predictive value of 80%. In summary, the available evidence is currently insufficient to determine the role of this variant in disease. Therefore, it has been classified as a Variant of Uncertain Significance.